The following is an entry in ClinVar:

NM_138393.4(REEP6):c.376C>T (p.Pro126Ser)

Gene: REEP6 (receptor accessory protein 6; plus strand). Cytogenetic location: 19p13.3.
Variant type: single nucleotide variant.
Coding change: c.376C>T on transcript NM_138393.4 (MANE Select); coding-DNA position 376, C replaced by T.
Protein change: p.Pro126Ser; replaces proline 126 with serine.
Molecular consequence: missense variant.
Genome position (GRCh38, 1-based): chr19:1,496,312, C>T. VCF-style: chr19-1496312-C-T. GRCh37 (hg19) VCF-style: chr19-1496311-C-T.
Other names: c.376C>T (NM_138393.1); c.376C>T, p.Pro126Ser (NM_001329556.3); short protein forms P126S.
Identifiers: ClinVar variation 1445604 (VCV001445604.8), dbSNP rs147100837, ClinGen allele CA304100481.

ClinVar aggregate classification (germline): Uncertain significance. Review status: criteria provided, multiple submitters, no conflicts (2 of 4 stars). 3 submissions from 3 submitters: Uncertain significance (3). Last evaluated 2024-09-06.

Conditions:
Inborn genetic diseases. Identifiers: MedGen C0950123, MeSH D030342.

Allele frequency attached by ClinVar (database versions not stated): gnomAD exomes below 0.00001; gnomAD 0.00002 and 0.00003; ESP Exome Variant Server 0.00008.

Submissions (3):

Blueprint Genetics
Classification: Uncertain significance. Last evaluated: 2024-09-06. Review status: criteria provided, single submitter. Criteria: ACMG Guidelines, 2015. Collection method: clinical testing. Allele origin: germline.

Ambry Genetics
Classification: Uncertain significance for Inborn genetic diseases. Last evaluated: 2024-07-05. Review status: criteria provided, single submitter. Criteria: Ambry Variant Classification Scheme 2023. Collection method: clinical testing. Allele origin: germline.

Labcorp Genetics (formerly Invitae), Labcorp
Classification: Uncertain significance. Last evaluated: 2022-05-12. Review status: criteria provided, single submitter. Criteria: Invitae Variant Classification Sherloc (09022015). Collection method: clinical testing. Allele origin: germline.
Comment: In summary, the available evidence is currently insufficient to determine the role of this variant in disease. Therefore, it has been classified as a Variant of Uncertain Significance. Experimental studies and prediction algorithms are not available or were not evaluated, and the functional significance of this variant is currently unknown. This variant has not been reported in the literature in individuals affected with REEP6-related conditions. This variant is present in population databases (rs147100837, gnomAD 0.0009%). This sequence change replaces proline, which is neutral and non-polar, with serine, which is neutral and polar, at codon 126 of the REEP6 protein (p.Pro126Ser).